The following is an entry in ClinVar:

ClinVar aggregate classification (germline): Pathogenic (1 of 4 stars; one submission).

Submission:

CeGaT Center for Human Genetics Tuebingen
Classification: Pathogenic. Last evaluated: 2026-09-01. Review status: criteria provided, single submitter. Criteria: CeGaT Center For Human Genetics Tuebingen Variant Classification Criteria Version 2. Collection method: clinical testing. Allele origin: germline. Affected: yes. Observed: 1 variant allele.
Comment: OPHN1: PVS1, PM2, PS2:Moderate

NM_002547.3(OPHN1):c.1275del (p.Phe425fs)

Gene: OPHN1 (oligophrenin 1; minus strand). Cytogenetic location: Xq12.
Variant type: Deletion.
Coding change: c.1275del on transcript NM_002547.3 (MANE Select); coding-DNA position 1275, one base deleted (T; older notation c.1275delT).
Protein change: p.Phe425fs; shifts the reading frame from phenylalanine 425.
Molecular consequence: frameshift variant.
Genome position (GRCh38, 1-based): chrX:68,192,920, A deleted on the plus strand (T on the coding strand, the reverse complement: OPHN1 is on the minus strand); the first of 6 consecutive A bases (chrX:68,192,920-68,192,925); deleting any one gives the same sequence. VCF-style (leftmost placement, unchanged base first): chrX-68192919-CA-C. GRCh37 (hg19) VCF-style: chrX-67412761-CA-C.
Other names: c.1275del, p.Phe425fs (NM_001437258.1); short protein forms F425fs.
Identifiers: ClinVar variation 5041300 (VCV005041300.1).